The following is an entry in ClinVar:

ClinVar aggregate classification (germline): Uncertain significance (1 of 4 stars; one submission).

Allele frequency attached by ClinVar (database versions not stated): gnomAD 0.00003; ExAC 0.00015.
gnomAD v4.1: 58 of 1,594,552 alleles (0.0036%); highest among the groups gnomAD compares: South Asian, 0.062%; 1 homozygote.

Submission:

Labcorp Genetics (formerly Invitae), Labcorp
Classification: Uncertain significance. Last evaluated: 2025-01-06. Review status: criteria provided, single submitter. Criteria: Invitae Variant Classification Sherloc (09022015). Collection method: clinical testing. Allele origin: germline.
Comment: This sequence change replaces proline, which is neutral and non-polar, with leucine, which is neutral and non-polar, at codon 806 of the MPDZ protein (p.Pro806Leu). This variant is present in population databases (rs773026729, gnomAD 0.05%). This variant has not been reported in the literature in individuals affected with MPDZ-related conditions. ClinVar contains an entry for this variant (Variation ID: 2418419). An algorithm developed to predict the effect of missense changes on protein structure and function outputs the following: PolyPhen-2: "Benign". The leucine amino acid residue is found in multiple mammalian species, which suggests that this missense change does not adversely affect protein function. In summary, the available evidence is currently insufficient to determine the role of this variant in disease. Therefore, it has been classified as a Variant of Uncertain Significance.

NM_001378778.1(MPDZ):c.2417C>T (p.Pro806Leu)

Gene: MPDZ (multiple PDZ domain crumbs cell polarity complex component; minus strand). Cytogenetic location: 9p23.
Variant type: single nucleotide variant.
Coding change: c.2417C>T on transcript NM_001378778.1 (MANE Select); coding-DNA position 2417, C replaced by T.
Protein change: p.Pro806Leu; replaces proline 806 with leucine.
Molecular consequence: missense variant.
Genome position (GRCh38, 1-based): chr9:13,186,334, G>A on the plus strand (C>T on the coding strand, the complement: MPDZ is on the minus strand). VCF-style: chr9-13186334-G-A. GRCh37 (hg19) VCF-style: chr9-13186333-G-A.
Other names: c.2417C>T, p.Pro806Leu (NM_001261406.2, NM_001261407.2, NM_001330637.2 and 14 more transcripts); short protein forms P806L.
Identifiers: ClinVar variation 2418419 (VCV002418419.4), dbSNP rs773026729, ClinGen allele CA4987466.